The following is an entry in ClinVar:

NM_001211.6(BUB1B):c.2099G>A (p.Cys700Tyr)

Gene: BUB1B (BUB1 mitotic checkpoint serine/threonine kinase B; plus strand). Cytogenetic location: 15q15.1.
Variant type: single nucleotide variant.
Coding change: c.2099G>A on transcript NM_001211.6 (MANE Select); coding-DNA position 2099, G replaced by A.
Protein change: p.Cys700Tyr; replaces cysteine 700 with tyrosine.
Molecular consequence: missense variant.
Genome position (GRCh38, 1-based): chr15:40,208,726, G>A. VCF-style: chr15-40208726-G-A. GRCh37 (hg19) VCF-style: chr15-40500927-G-A.
Other names: short protein forms C700Y.
Identifiers: ClinVar variation 1785845 (VCV001785845.5), dbSNP rs2037669583, ClinGen allele CA391693728.

ClinVar aggregate classification (germline): Uncertain significance. Review status: criteria provided, multiple submitters, no conflicts (2 of 4 stars). 2 submissions from 2 submitters: Uncertain significance (2). Last evaluated 2024-01-04.

Conditions:
Inborn genetic diseases. Identifiers: MedGen C0950123, MeSH D030342.
Mosaic variegated aneuploidy syndrome 1 (MVA1). Also called: Warburton-Anyane-Yeboa syndrome. Identifiers: Orphanet 1052, MedGen C1850343, MONDO:0009759, OMIM 257300.

Allele frequency attached by ClinVar (database versions not stated): gnomAD exomes below 0.00001; TOPMed 0.00001.
gnomAD v4.1: 2 of 1,613,612 alleles (0.00012%); highest among the groups gnomAD compares: Non-Finnish European, 0.00017%; no homozygotes.

Submissions (2):

Labcorp Genetics (formerly Invitae), Labcorp
Classification: Uncertain significance for Mosaic variegated aneuploidy syndrome 1. Last evaluated: 2024-01-04. Review status: criteria provided, single submitter. Criteria: Invitae Variant Classification Sherloc (09022015). Collection method: clinical testing. Allele origin: germline.
Comment: This sequence change replaces cysteine, which is neutral and slightly polar, with tyrosine, which is neutral and polar, at codon 700 of the BUB1B protein (p.Cys700Tyr). This variant is not present in population databases (gnomAD no frequency). This variant has not been reported in the literature in individuals affected with BUB1B-related conditions. ClinVar contains an entry for this variant (Variation ID: 1785845). Algorithms developed to predict the effect of missense changes on protein structure and function output the following: SIFT: "Not Available"; PolyPhen-2: "Benign"; Align-GVGD: "Not Available". The tyrosine amino acid residue is found in multiple mammalian species, which suggests that this missense change does not adversely affect protein function. In summary, the available evidence is currently insufficient to determine the role of this variant in disease. Therefore, it has been classified as a Variant of Uncertain Significance.

Ambry Genetics
Classification: Uncertain significance for Inborn genetic diseases. Last evaluated: 2022-10-17. Review status: criteria provided, single submitter. Criteria: Ambry Variant Classification Scheme 2023. Collection method: clinical testing. Allele origin: germline.
Comment: The p.C700Y variant (also known as c.2099G>A), located in coding exon 16 of the BUB1B gene, results from a G to A substitution at nucleotide position 2099. The cysteine at codon 700 is replaced by tyrosine, an amino acid with highly dissimilar properties. This amino acid position is conserved. In addition, this alteration is predicted to be tolerated by in silico analysis. Since supporting evidence is limited at this time, the clinical significance of this alteration remains unclear.